The following is an entry in ClinVar:

ClinVar aggregate classification (germline): Uncertain significance (0 of 4 stars; one submission).

Conditions:
MYH6-related disorder. Also called: MYH6-Related Disorders; MYH6-related condition.

gnomAD v4.1: 3 of 1,614,068 alleles (0.00019%); highest among the groups gnomAD compares: Middle Eastern, 0.016%; no homozygotes.

Submission:

PreventionGenetics, part of Exact Sciences
Classification: Uncertain significance for MYH6-related condition. Last evaluated: 2024-05-08. Review status: no assertion criteria provided. Collection method: clinical testing. Allele origin: germline.
Comment: The MYH6 c.4537G>C variant is predicted to result in the amino acid substitution p.Asp1513His. To our knowledge, this variant has not been reported in the literature or in a large population database, indicating this variant is rare. At this time, the clinical significance of this variant is uncertain due to the absence of conclusive functional and genetic evidence.

NM_002471.4(MYH6):c.4537G>C (p.Asp1513His)

Gene: MYH6 (myosin heavy chain 6; minus strand). Cytogenetic location: 14q11.2.
Variant type: single nucleotide variant.
Coding change: c.4537G>C on transcript NM_002471.4 (MANE Select); coding-DNA position 4537, G replaced by C.
Protein change: p.Asp1513His; replaces aspartic acid 1513 with histidine.
Molecular consequence: missense variant.
Genome position (GRCh38, 1-based): chr14:23,387,642, C>G on the plus strand (G>C on the coding strand, the complement: MYH6 is on the minus strand). VCF-style: chr14-23387642-C-G. GRCh37 (hg19) VCF-style: chr14-23856851-C-G.
Other names: short protein forms D1513H.
Identifiers: ClinVar variation 3347211 (VCV003347211.1).